The following is an entry in ClinVar:

ClinVar aggregate classification (germline): Likely pathogenic (1 of 4 stars; one submission).

Conditions:
Cardiovascular phenotype. Identifiers: MedGen CN230736.

gnomAD v4.1: 1 of 1,582,350 alleles (0.000063%); highest among the groups gnomAD compares: Non-Finnish European, 0.000087%; no homozygotes.

Submission:

Molecular Diagnostic Laboratory for Inherited Cardiovascular Disease, Montreal Heart Institute
Classification: Likely pathogenic for Cardiovascular phenotype. Last evaluated: 2026-02-04. Review status: criteria provided, single submitter. Criteria: ACMG Guidelines, 2015. Collection method: clinical testing. Allele origin: germline. Affected: yes.
Comment: PVS1_strong, PM2

NM_198060.4(NRAP):c.3078+1G>T

Gene: NRAP (nebulin related anchoring protein; minus strand). Cytogenetic location: 10q25.3.
Variant type: single nucleotide variant.
Coding change: c.3078+1G>T on transcript NM_198060.4 (MANE Select); the canonical splice donor site of the intron after coding-DNA position 3078, G replaced by T.
Molecular consequence: splice donor variant.
Genome position (GRCh38, 1-based): chr10:113,615,711, C>A on the plus strand (G>T on the coding strand, the complement: NRAP is on the minus strand). VCF-style: chr10-113615711-C-A. GRCh37 (hg19) VCF-style: chr10-115375470-C-A.
Other names: c.2973+1G>T (NM_006175.5); c.2970+1G>T (NM_001322945.2); c.3078+1G>T (NM_001261463.2).
Identifiers: ClinVar variation 4820505 (VCV004820505.1), dbSNP rs112306766.